The following is an entry in ClinVar:

NM_153252.5(BRWD3):c.987del (p.Gly330fs)

Gene: BRWD3 (bromodomain and WD repeat domain containing 3; minus strand). Cytogenetic location: Xq21.1.
Variant type: Deletion.
Coding change: c.987del on transcript NM_153252.5 (MANE Select); coding-DNA position 987, one base deleted (T; older notation c.987delT).
Protein change: p.Gly330fs; shifts the reading frame from glycine 330.
Molecular consequence: frameshift variant.
Genome position (GRCh38, 1-based): chrX:80,734,217, A deleted on the plus strand (T on the coding strand, the reverse complement: BRWD3 is on the minus strand). VCF-style (leftmost placement, unchanged base first): chrX-80734216-CA-C. GRCh37 (hg19) VCF-style: chrX-79989715-CA-C.
Other names: c.987del, p.Gly330fs (NM_001441339.1); short protein forms G330fs.
Identifiers: ClinVar variation 4713093 (VCV004713093.1).
Genomic context (GRCh38, chrX:80,734,216, plus strand): 5'-CAGAACCCAAATAATATATTCTAATCACATGGTCAGTACTACCAGTTGTAATGAACATAC[CA>C]CCTAGAAGATTAAAAAACAAAACAAAACATAGTACCAAGGAACCTTAAAAACCCTCTCAT-3'

ClinVar aggregate classification (germline): Pathogenic (1 of 4 stars; one submission).

Submission:

Labcorp Genetics (formerly Invitae), Labcorp
Classification: Pathogenic. Last evaluated: 2025-02-15. Review status: criteria provided, single submitter. Criteria: Invitae Variant Classification Sherloc (09022015). Collection method: clinical testing. Allele origin: germline.
Comment: This sequence change creates a premature translational stop signal (p.Gly330Valfs*12) in the BRWD3 gene. It is expected to result in an absent or disrupted protein product. Loss-of-function variants in BRWD3 are known to be pathogenic (PMID: 17668385, 24462886). This variant is not present in population databases (gnomAD no frequency). This variant has not been reported in the literature in individuals affected with BRWD3-related conditions. Algorithms developed to predict the effect of sequence changes on RNA splicing suggest that this variant may disrupt the consensus splice site. For these reasons, this variant has been classified as Pathogenic.

Literature cited by the submitters: PubMed 17668385; PubMed 24462886.